The following is an entry in ClinVar:

NM_005228.5(EGFR):c.1837G>A (p.Ala613Thr)

Gene: EGFR (epidermal growth factor receptor; plus strand). Cytogenetic location: 7p11.2.
Variant type: single nucleotide variant.
Coding change: c.1837G>A on transcript NM_005228.5 (MANE Select); coding-DNA position 1837, G replaced by A.
Protein change: p.Ala613Thr; replaces alanine 613 with threonine.
Molecular consequence: missense variant.
Genome position (GRCh38, 1-based): chr7:55,165,394, G>A. VCF-style: chr7-55165394-G-A. GRCh37 (hg19) VCF-style: chr7-55233087-G-A.
Other names: c.1837G>A (NM_005228.3); c.1702G>A, p.Ala568Thr (NM_001346897.2, NM_001346899.2); c.1837G>A, p.Ala613Thr (NM_001346898.2, NM_201282.2, NM_201284.2); c.1678G>A, p.Ala560Thr (NM_001346900.2); c.1036G>A, p.Ala346Thr (NM_001346941.2); short protein forms A613T, A346T, A568T, A560T.
Identifiers: ClinVar variation 584691 (VCV000584691.9), dbSNP rs764290273, ClinGen allele CA4265710.
Genomic context (GRCh38, chr7:55,165,394, plus strand): 5'-AAGACCTGCCCGGCAGGAGTCATGGGAGAAAACAACACCCTGGTCTGGAAGTACGCAGAC[G>A]CCGGCCATGTGTGCCACCTGTGCCATCCAAACTGCACCTACGGGTGAGTGGAAAGTGAAG-3'
Protein context (NP_005219.2, residues 603-623): NNTLVWKYAD[Ala613Thr]GHVCHLCHPN

ClinVar aggregate classification (germline): Conflicting classifications of pathogenicity. Review status: criteria provided, conflicting classifications (1 of 4 stars). 3 submissions from 3 submitters: Uncertain significance (2); Likely benign (1). Last evaluated 2025-12-22.

Conditions:
Hereditary cancer-predisposing syndrome. Also called: Neoplastic Syndromes, Hereditary; Hereditary Cancer Syndrome; Tumor predisposition; Hereditary neoplastic syndrome. Identifiers: Orphanet 140162, MedGen C0027672, MeSH D009386, MONDO:0015356.
EGFR-related lung cancer (EGFR). Identifiers: MedGen CN130014.
Hereditary cancer. Identifiers: MedGen C1333600.

Allele frequency attached by ClinVar (database versions not stated): gnomAD exomes below 0.00001 and 0.00001; ExAC 0.00001; gnomAD 0.00001; TOPMed 0.00001.
gnomAD v4.1: 9 of 1,614,022 alleles (0.00056%); highest among the groups gnomAD compares: African/African-American, 0.0027%; no homozygotes.

Submissions (3):

Labcorp Genetics (formerly Invitae), Labcorp
Classification: Uncertain significance for EGFR-related lung cancer. Last evaluated: 2025-12-22. Review status: criteria provided, single submitter. Criteria: Invitae Variant Classification Sherloc (09022015). Collection method: clinical testing. Allele origin: germline.
Comment: This sequence change replaces alanine, which is neutral and non-polar, with threonine, which is neutral and polar, at codon 613 of the EGFR protein (p.Ala613Thr). This variant is present in population databases (rs764290273, gnomAD 0.007%). This missense change has been observed in individual(s) with breast cancer (PMID: 35264596). ClinVar contains an entry for this variant (Variation ID: 584691). Invitae Evidence Modeling of protein sequence and biophysical properties (such as structural, functional, and spatial information, amino acid conservation, physicochemical variation, residue mobility, and thermodynamic stability) indicates that this missense variant is not expected to disrupt EGFR protein function with a negative predictive value of 80%. In summary, the available evidence is currently insufficient to determine the role of this variant in disease. Therefore, it has been classified as a Variant of Uncertain Significance.

Ambry Genetics
Classification: Likely benign for Hereditary cancer-predisposing syndrome. Last evaluated: 2024-10-29. Review status: criteria provided, single submitter. Criteria: Ambry Variant Classification Scheme 2023. Collection method: clinical testing. Allele origin: germline.

Mendelics
Classification: Uncertain significance for Hereditary cancer. Last evaluated: 2018-07-02. Review status: criteria provided, single submitter. Criteria: Mendelics Assertion Criteria 2017. Collection method: clinical testing. Allele origin: unknown.

Literature cited by the submitters: PubMed 35264596 (cited by Labcorp Genetics (formerly Invitae), Labcorp).